The following is an entry in ClinVar:

ClinVar aggregate classification (germline): Uncertain significance (1 of 4 stars; one submission).

Conditions:
Leukodystrophy and acquired microcephaly with or without dystonia;. Also called: Leukodystrophy and acquired microcephaly with or without dystonia. Identifiers: MedGen C4225213, MONDO:0014766, OMIM 616763.

Allele frequency attached by ClinVar (database versions not stated): gnomAD exomes below 0.00001.

Submission:

Baylor Genetics
Classification: Uncertain significance for Leukodystrophy and acquired microcephaly with or without dystonia;. Last evaluated: 2018-10-12. Review status: criteria provided, single submitter. Criteria: ACMG Guidelines, 2015. Collection method: clinical testing. Allele origin: unknown. Affected: yes.
Comment: This variant was determined to be of uncertain significance according to ACMG Guidelines, 2015 [PMID:25741868].

NM_022835.3(PLEKHG2):c.3202G>A (p.Asp1068Asn)

Gene: PLEKHG2 (pleckstrin homology and RhoGEF domain containing G2; plus strand). Cytogenetic location: 19q13.2.
Variant type: single nucleotide variant.
Coding change: c.3202G>A on transcript NM_022835.3 (MANE Select); coding-DNA position 3202, G replaced by A.
Protein change: p.Asp1068Asn; replaces aspartic acid 1068 with asparagine.
Molecular consequence: missense variant. On other transcripts: intron variant (1).
Genome position (GRCh38, 1-based): chr19:39,424,335, G>A. VCF-style: chr19-39424335-G-A. GRCh37 (hg19) VCF-style: chr19-39914975-G-A.
Other names: c.3025G>A, p.Asp1009Asn (NM_001351693.2); c.1678-903G>A (NM_001351694.2); short protein forms D1068N, D1009N.
Identifiers: ClinVar variation 1034021 (VCV001034021.1), dbSNP rs2078749579, ClinGen allele CA405804736.